The following is an entry in ClinVar:

ClinVar aggregate classification (germline): Uncertain significance. Review status: criteria provided, multiple submitters, no conflicts (2 of 4 stars). 3 submissions from 3 submitters: Uncertain significance (3). Last evaluated 2026-01-26.

Conditions:
FASTING PLASMA GLUCOSE LEVEL QUANTITATIVE TRAIT LOCUS 5 (FGQTL5). Identifiers: MedGen C3150714, OMIM 613463.

Allele frequency attached by ClinVar (database versions not stated): gnomAD exomes 0.00013 and 0.00045; gnomAD 0.00019 and 0.00020; TOPMed 0.00019; ESP Exome Variant Server 0.00008; ExAC 0.00010.
gnomAD v4.1: 697 of 1,604,998 alleles (0.043%); highest among the groups gnomAD compares: Non-Finnish European, 0.055%; 2 homozygotes.

Submissions (3):

Labcorp Genetics (formerly Invitae), Labcorp
Classification: Uncertain significance. Last evaluated: 2026-01-26. Review status: criteria provided, single submitter. Criteria: Invitae Variant Classification Sherloc (09022015). Collection method: clinical testing. Allele origin: germline.
Comment: This sequence change replaces serine, which is neutral and polar, with phenylalanine, which is neutral and non-polar, at codon 183 of the GCKR protein (p.Ser183Phe). This variant is present in population databases (rs151082324, gnomAD 0.02%). This missense change has been observed in individual(s) with GCKR-related conditions (PMID: 36325899). ClinVar contains an entry for this variant (Variation ID: 1424496). An algorithm developed to predict the effect of missense changes on protein structure and function (PolyPhen-2) suggests that this variant is likely to be disruptive. In summary, the available evidence is currently insufficient to determine the role of this variant in disease. Therefore, it has been classified as a Variant of Uncertain Significance.

GeneDx
Classification: Uncertain significance. Last evaluated: 2024-07-17. Review status: criteria provided, single submitter. Criteria: GeneDx Variant Classification Process June 2021. Collection method: clinical testing. Allele origin: germline. Affected: yes.
Comment: Identified in patients with hypertriglyceridemia in published literature (PMID: 36325899, 32041611); In silico analysis supports that this missense variant has a deleterious effect on protein structure/function; This variant is associated with the following publications: (PMID: 32041611, 36325899)

Fulgent Genetics
Classification: Uncertain significance for FASTING PLASMA GLUCOSE LEVEL QUANTITATIVE TRAIT LOCUS 5. Last evaluated: 2021-10-14. Review status: criteria provided, single submitter. Criteria: ACMG Guidelines, 2015. Collection method: clinical testing. Allele origin: unknown.

Literature cited by the submitters: PubMed 36325899 (cited by Labcorp Genetics (formerly Invitae), Labcorp).

NM_001486.4(GCKR):c.548C>T (p.Ser183Phe)

Gene: GCKR (glucokinase regulator; plus strand). Cytogenetic location: 2p23.3.
Variant type: single nucleotide variant.
Coding change: c.548C>T on transcript NM_001486.4 (MANE Select); coding-DNA position 548, C replaced by T.
Protein change: p.Ser183Phe; replaces serine 183 with phenylalanine.
Molecular consequence: missense variant.
Genome position (GRCh38, 1-based): chr2:27,499,449, C>T. VCF-style: chr2-27499449-C-T. GRCh37 (hg19) VCF-style: chr2-27722316-C-T.
Other names: c.548C>T (NM_001486.3); short protein forms S183F.
Identifiers: ClinVar variation 1424496 (VCV001424496.10), dbSNP rs151082324, ClinGen allele CA1581604.